The following is an entry in ClinVar:

NM_001560.3(IL13RA1):c.1009+3149C>T

Gene: IL13RA1 (interleukin 13 receptor subunit alpha 1; plus strand). Cytogenetic location: Xq24.
Variant type: single nucleotide variant.
Coding change: c.1009+3149C>T on transcript NM_001560.3 (MANE Select); 3149 bases into the intron after coding-DNA position 1009, C replaced by T.
Molecular consequence: intron variant.
Genome position (GRCh38, 1-based): chrX:118,770,125, C>T. VCF-style: chrX-118770125-C-T. GRCh37 (hg19) VCF-style: chrX-117904088-C-T.
Identifiers: ClinVar variation 2661274 (VCV002661274.24), dbSNP rs771636060, ClinGen allele CA334925368.
Genomic context (GRCh38, chrX:118,770,125, plus strand): 5'-CTCATGCGCCTGGTACTTCTCACTGCCTGAGCTCTTCCAGGGCCCTGTGTACCCCTACTA[C>T]GTGCTGACCAACTTCTACCAAAACAACCGGCGGTATGGAGTGTCCGCGACAACGCGCAGC-3'

ClinVar aggregate classification (germline): Likely benign (1 of 4 stars; one submission).

Allele frequency attached by ClinVar (database versions not stated): 1000 Genomes Project 30x 0.00021; 1000 Genomes Project 0.00026; TOPMed 0.00122; gnomAD 0.00140; gnomAD exomes 0.00168.
gnomAD v4.1: 415 of 266,902 alleles (0.16%); highest among the groups gnomAD compares: Non-Finnish European, 0.25%; no homozygotes.

Submission:

CeGaT Center for Human Genetics Tuebingen
Classification: Likely benign. Last evaluated: 2022-11-01. Review status: criteria provided, single submitter. Criteria: CeGaT Center For Human Genetics Tuebingen Variant Classification Criteria Version 2. Collection method: clinical testing. Allele origin: germline. Affected: yes. Observed: 1 variant allele.
Comment: IL13RA1: BS2